The following is an entry in ClinVar:

NM_000141.5(FGFR2):c.455-315T>A

Gene: FGFR2 (fibroblast growth factor receptor 2; minus strand). Cytogenetic location: 10q26.13.
Variant type: single nucleotide variant.
Coding change: c.455-315T>A on transcript NM_000141.5 (MANE Select); 315 bases into the intron before coding-DNA position 455, T replaced by A.
Molecular consequence: intron variant.
Genome position (GRCh38, 1-based): chr10:121,551,774, A>T on the plus strand (T>A on the coding strand, the complement: FGFR2 is on the minus strand). VCF-style: chr10-121551774-A-T. GRCh37 (hg19) VCF-style: chr10-123311288-A-T.
Other names: c.455-315T>A (NM_001144914.1, NM_001144917.2, NM_001320658.2 and 3 more transcripts); c.110-315T>A (NM_001144918.2, NM_001441091.1, NM_001441090.1 and 1 more transcripts); c.188-315T>A (NM_001441089.1, NM_023029.3, NM_001441088.1 and 2 more transcripts).
Identifiers: ClinVar variation 670039 (VCV000670039.1), dbSNP rs3135743, ClinGen allele CA13327237.

ClinVar aggregate classification (germline): Benign (1 of 4 stars; one submission).

Allele frequency attached by ClinVar (database versions not stated): gnomAD 0.09960 and 0.10507; TOPMed 0.11398; 1000 Genomes Project 0.11721; 1000 Genomes Project 30x 0.12320.
gnomAD v4.1: 15,057 of 152,164 alleles (9.9%); highest among the groups gnomAD compares: African/African-American, 30%; 1,993 homozygotes.

Submission:

GeneDx
Classification: Benign. Last evaluated: 2018-06-14. Review status: criteria provided, single submitter. Criteria: GeneDx Variant Classification (06012015). Collection method: clinical testing. Allele origin: germline. Affected: yes.
Comment: This variant is considered likely benign or benign based on one or more of the following criteria: it is a conservative change, it occurs at a poorly conserved position in the protein, it is predicted to be benign by multiple in silico algorithms, and/or has population frequency not consistent with disease.